The following is an entry in ClinVar:

NM_014143.4(CD274):c.*2635A>G

Genes: CD274 (CD274 molecule; plus strand), INCR1 (interferon stimulated noncoding RNA 1; minus strand). Cytogenetic location: 9p24.1.
Variant type: single nucleotide variant.
Coding change: c.*2635A>G on transcript NM_014143.4 (MANE Select); 2635 bases downstream of the stop codon, A replaced by G.
Molecular consequence: 3 prime UTR variant. On other transcripts: non-coding transcript variant (1).
Genome position (GRCh38, 1-based): chr9:5,470,497, A>G. VCF-style: chr9-5470497-A-G. GRCh37 (hg19) VCF-style: chr9-5470497-A-G.
Other names: c.*2635A>G (NM_001267706.2).
Identifiers: ClinVar variation 1251890 (VCV001251890.3), dbSNP rs4742098, ClinGen allele CA188513325.
Genomic context (GRCh38, chr9:5,470,497, plus strand): 5'-CTTTTTGTACCTGCATTAATTTAATAAAATATTCTTATTTATTTTGTTACTTGGTACACC[A>G]GCATGTCCATTTTCTTGTTTATTTTGTGTTTAATAAAATGTTCAGTTTAACATCCCAGTG-3'

ClinVar aggregate classification (germline): Benign. Review status: criteria provided, multiple submitters, no conflicts (2 of 4 stars). 2 submissions from 2 submitters: Benign (2). Last evaluated 2020-02-17.

Allele frequency attached by ClinVar (database versions not stated): gnomAD 0.22720 and 0.23201; 1000 Genomes Project 30x 0.28529; TOPMed 0.23892; gnomAD exomes 0.28140; 1000 Genomes Project 0.29014.
gnomAD v4.1: 52,739 of 214,568 alleles (25%); highest among the groups gnomAD compares: East Asian, 52%; 7,599 homozygotes.

Submissions (2):

GeneDx
Classification: Benign. Last evaluated: 2020-02-17. Review status: criteria provided, single submitter. Criteria: GeneDx Variant Classification Process June 2021. Collection method: clinical testing. Allele origin: germline. Affected: yes.
Comment: This variant is associated with the following publications: (PMID: 28677815)

Breakthrough Genomics
Classification: Benign. Review status: criteria provided, single submitter. Criteria: ACMG Guidelines, 2015. Collection method: not provided. Allele origin: germline. Inheritance: Unknown mechanism. Affected: yes.